The following is an entry in ClinVar:

NM_001048174.2(MUTYH):c.161C>T (p.Ser54Phe)

Gene: MUTYH (mutY DNA glycosylase; minus strand). Cytogenetic location: 1p34.1.
Variant type: single nucleotide variant.
Coding change: c.161C>T on transcript NM_001048174.2 (MANE Select); coding-DNA position 161, C replaced by T.
Protein change: p.Ser54Phe; replaces serine 54 with phenylalanine.
Molecular consequence: missense variant. On other transcripts: 5 prime UTR variant (1), non-coding transcript variant (2), intron variant (3).
Genome position (GRCh38, 1-based): chr1:45,333,516, G>A on the plus strand (C>T on the coding strand, the complement: MUTYH is on the minus strand). VCF-style: chr1-45333516-G-A. GRCh37 (hg19) VCF-style: chr1-45799188-G-A.
Other names: c.161C>T, p.Ser54Phe (NM_001048171.2, NM_001048173.2, NM_001293195.2); c.164C>T, p.Ser55Phe (NM_001048172.2); c.245C>T, p.Ser82Phe (NM_001128425.2); c.206C>T, p.Ser69Phe (NM_001293190.2); c.194C>T, p.Ser65Phe (NM_001293191.2); c.-111C>T (NM_001350650.2); c.236C>T, p.Ser79Phe (NM_012222.3); c.-92-19C>T (NM_001350651.2); and 1 more; short protein forms S82F, S54F, S55F, S65F, S69F, S79F.
Identifiers: ClinVar variation 492029 (VCV000492029.9), dbSNP rs876658645, ClinGen allele CA340136538.

ClinVar aggregate classification (germline): Uncertain significance. Review status: criteria provided, multiple submitters, no conflicts (2 of 4 stars). 3 submissions from 3 submitters: Uncertain significance (3). Last evaluated 2025-08-27.

Conditions:
Hereditary cancer-predisposing syndrome. Also called: Hereditary neoplastic syndrome; Hereditary Cancer Syndrome; Neoplastic Syndromes, Hereditary; Tumor predisposition. Identifiers: Orphanet 140162, MedGen C0027672, MeSH D009386, MONDO:0015356.
Familial adenomatous polyposis 2. Also called: MYH-associated polyposis; COLORECTAL ADENOMATOUS POLYPOSIS, AUTOSOMAL RECESSIVE; ADENOMAS, MULTIPLE COLORECTAL, AUTOSOMAL RECESSIVE; MUTYH-related attenuated familial adenomatous polyposis; Adenomas, multiple colorectal; FAP type 2. Identifiers: Orphanet 220460, Orphanet 247798, MedGen C3272841, MONDO:0012041, OMIM 608456.

Submissions (3):

Ambry Genetics
Classification: Uncertain significance for Hereditary cancer-predisposing syndrome. Last evaluated: 2025-08-27. Review status: criteria provided, single submitter. Criteria: Ambry Variant Classification Scheme 2023. Collection method: clinical testing. Allele origin: germline.
Comment: The p.S82F variant (also known as c.245C>T), located in coding exon 3 of the MUTYH gene, results from a C to T substitution at nucleotide position 245. The serine at codon 82 is replaced by phenylalanine, an amino acid with highly dissimilar properties. This amino acid position is conserved. In addition, the in silico prediction for this alteration is inconclusive. Based on the available evidence, the clinical significance of this variant remains unclear.

Labcorp Genetics (formerly Invitae), Labcorp
Classification: Uncertain significance for Familial adenomatous polyposis 2. Last evaluated: 2024-04-25. Review status: criteria provided, single submitter. Criteria: Invitae Variant Classification Sherloc (09022015). Collection method: clinical testing. Allele origin: germline.
Comment: This sequence change replaces serine, which is neutral and polar, with phenylalanine, which is neutral and non-polar, at codon 82 of the MUTYH protein (p.Ser82Phe). This variant is not present in population databases (gnomAD no frequency). This variant has not been reported in the literature in individuals affected with MUTYH-related conditions. ClinVar contains an entry for this variant (Variation ID: 492029). An algorithm developed to predict the effect of missense changes on protein structure and function (PolyPhen-2) suggests that this variant is likely to be disruptive. In summary, the available evidence is currently insufficient to determine the role of this variant in disease. Therefore, it has been classified as a Variant of Uncertain Significance.

Color Diagnostics, LLC DBA Color Health
Classification: Uncertain significance for Hereditary cancer-predisposing syndrome. Last evaluated: 2023-12-04. Review status: criteria provided, single submitter. Criteria: ACMG Guidelines, 2015. Collection method: clinical testing. Allele origin: germline.
Comment: This missense variant replaces serine with phenylalanine at codon 82 of the MUTYH protein. Computational prediction suggests that this variant may not impact protein structure and function (internally defined REVEL score threshold <= 0.5, PMID: 27666373). To our knowledge, functional studies have not been reported for this variant. This variant has not been reported in individuals affected with MUTYH-related disorders in the literature. This variant has not been identified in the general population by the Genome Aggregation Database (gnomAD). The available evidence is insufficient to determine the role of this variant in disease conclusively. Therefore, this variant is classified as a Variant of Uncertain Significance.